The following is an entry in ClinVar:

ClinVar aggregate classification (germline): Conflicting classifications of pathogenicity. Review status: criteria provided, conflicting classifications (1 of 4 stars). 5 submissions from 5 submitters: Uncertain significance (3); Likely benign (2). Last evaluated 2026-01-01.

Conditions:
Retinitis pigmentosa 70 (RP70). Identifiers: Orphanet 791, MedGen C4014681, MONDO:0014400, OMIM 615922.

Allele frequency attached by ClinVar (database versions not stated): gnomAD 0.00021 and 0.00022; TOPMed 0.00016; ESP Exome Variant Server 0.00023; 1000 Genomes Project 30x 0.00031; gnomAD exomes 0.00035; ExAC 0.00052.
gnomAD v4.1: 403 of 1,614,138 alleles (0.025%); highest among the groups gnomAD compares: Non-Finnish European, 0.028%; no homozygotes.

Submissions (5):

Labcorp Genetics (formerly Invitae), Labcorp
Classification: Likely benign. Last evaluated: 2026-01-01. Review status: criteria provided, single submitter. Criteria: Invitae Variant Classification Sherloc (09022015). Collection method: clinical testing. Allele origin: germline.

Blueprint Genetics
Classification: Likely benign. Last evaluated: 2024-11-19. Review status: criteria provided, single submitter. Criteria: ACMG Guidelines, 2015. Collection method: clinical testing. Allele origin: germline.

Ambry Genetics
Classification: Uncertain significance. Last evaluated: 2024-04-15. Review status: criteria provided, single submitter. Criteria: Ambry Variant Classification Scheme 2023. Collection method: clinical testing. Allele origin: germline.

CeGaT Center for Human Genetics Tuebingen
Classification: Uncertain significance. Last evaluated: 2023-07-01. Review status: criteria provided, single submitter. Criteria: CeGaT Center For Human Genetics Tuebingen Variant Classification Criteria Version 2. Collection method: clinical testing. Allele origin: germline. Affected: yes. Observed: 1 variant allele.

Victorian Clinical Genetics Services, Murdoch Childrens Research Institute
Classification: Uncertain significance for Retinitis pigmentosa 70. Last evaluated: 2020-05-25. Review status: criteria provided, single submitter. Criteria: ACMG Guidelines, 2015. Collection method: clinical testing. Allele origin: germline. Inheritance: Autosomal dominant inheritance.
Comment: Based on the classification scheme VCGS_Germline_v1.1.1, this variant is classified as 3C-VUS Following criteria are met: 0102 - Loss-of-function is a known mechanism of disease for this gene variants, associated with a deletion that disrupts the promoter activity of the gene (PMID 24419317). (N) 0104 - Dominant Negative is a mechanism of disease for this gene, associated with missense variants (PMID 24419317). (N) 0107 - This gene is known to be associated with autosomal dominant disease. (N) 0200 - Variant is predicted to result in a missense amino acid change from aspartic acid to asparagine (exon 14). (N) 0251 - Variant is heterozygous. (N) 0302 - Variant is present in gnomAD <0.001 for a dominant condition (95 heterozygotes, 0 homozygotes). (P) 0309 - An alternative amino acid change at the same position has been observed in gnomAD (1 heterozygote, 0 homozygotes). (N) 0504 - Same amino acid change has been observed in mammals. (B) 0600 - Variant is located in an annotated domain or motif (WD40; PMID 8090199). (N) 0705 - No comparable variants have previous evidence for pathogenicity. (N) 0807 - Variant has not previously been reported in a clinical context. (N) 0905 - No segregation evidence has been identified for this variant. (N) 1007 - No published functional evidence has been identified for this variant. (N) 1208 - Inheritance information for this variant is not currently available. (N) Legend: (P) - Pathogenic, (N) - Neutral, (B) - Benign

Literature cited by the submitters: PubMed 8090199 (cited by Victorian Clinical Genetics Services, Murdoch Childrens Research Institute); PubMed 24419317 (cited by Victorian Clinical Genetics Services, Murdoch Childrens Research Institute).

NM_001244926.2(PRPF4):c.1504G>A (p.Asp502Asn)

Gene: PRPF4 (pre-mRNA splicing tri-snRNP complex factor PRPF4; plus strand). Cytogenetic location: 9q32.
Variant type: single nucleotide variant.
Coding change: c.1504G>A on transcript NM_001244926.2 (MANE Select); coding-DNA position 1504, G replaced by A.
Protein change: p.Asp502Asn; replaces aspartic acid 502 with asparagine.
Molecular consequence: missense variant. On other transcripts: non-coding transcript variant (2).
Genome position (GRCh38, 1-based): chr9:113,291,598, G>A. VCF-style: chr9-113291598-G-A. GRCh37 (hg19) VCF-style: chr9-116053878-G-A.
Other names: c.778G>A, p.Asp260Asn (NM_001322266.2, NM_001322267.2); c.1507G>A, p.Asp503Asn (NM_004697.5); short protein forms D260N, D503N, D502N.
Identifiers: ClinVar variation 940726 (VCV000940726.37), dbSNP rs141207203, ClinGen allele CA5195190.
Genomic context (GRCh38, chr9:113,291,598, plus strand): 5'-TCCCCGCTGAAGACTCTGGCTGGCCACGAAGGCAAAGTGATGGGCCTAGATATTTCTTCC[G>A]ATGGGCAGCTCATAGCCACTTGCTCATATGACAGGACCTTCAAGCTGTGGATGGCTGAAT-3'
Protein context (NP_001231855.1, residues 492-512): GKVMGLDISS[Asp502Asn]GQLIATCSYD